The following is an entry in ClinVar:

NM_024675.4(PALB2):c.1982C>G (p.Pro661Arg)

Gene: PALB2 (partner and localizer of BRCA2; minus strand). Cytogenetic location: 16p12.2.
Variant type: single nucleotide variant.
Coding change: c.1982C>G on transcript NM_024675.4 (MANE Select); coding-DNA position 1982, C replaced by G.
Protein change: p.Pro661Arg; replaces proline 661 with arginine.
Molecular consequence: missense variant.
Genome position (GRCh38, 1-based): chr16:23,630,172, G>C on the plus strand (C>G on the coding strand, the complement: PALB2 is on the minus strand). VCF-style: chr16-23630172-G-C. GRCh37 (hg19) VCF-style: chr16-23641493-G-C.
Other names: short protein forms P661R.
Identifiers: ClinVar variation 232550 (VCV000232550.26), dbSNP rs71379822, ClinGen allele CA10579988.
Genomic context (GRCh38, chr16:23,630,172, plus strand): 5'-TTTCCTGGTAGAACAATAAGGTCCTCTTCTAAGTCCTCCATTTCTGTATCCATGCGTTTA[G>C]GACTCAGTTCCTCTGGAAAAATACAGCTTCCCTCTTTAAGATGTCTCTCTCCAAACATTT-3'
Protein context (NP_078951.2, residues 651-671): GSCIFPEELS[Pro661Arg]KRMDTEMEDL

ClinVar aggregate classification (germline): Uncertain significance. Review status: criteria provided, multiple submitters, no conflicts (2 of 4 stars). 8 submissions from 8 submitters: Uncertain significance (8). Last evaluated 2025-06-01.

Conditions:
Familial pancreatic carcinoma. Identifiers: Orphanet 1333, MedGen C2931038, MONDO:0015278, OMIM 260350.
Hereditary cancer-predisposing syndrome. Also called: Hereditary Cancer Syndrome; Neoplastic Syndromes, Hereditary; Tumor predisposition; Hereditary neoplastic syndrome. Identifiers: Orphanet 140162, MedGen C0027672, MeSH D009386, MONDO:0015356.
Fanconi anemia complementation group N. Also called: PALB2-Related Fanconi Anemia. Identifiers: Orphanet 84, MedGen C1835817, MONDO:0012565, OMIM 610832. Disease mechanism: loss of function.
Pancreatic cancer, susceptibility to, 3. Identifiers: Orphanet 1333, MedGen C3150547, MONDO:0013236, OMIM 613348.
Familial cancer of breast. Also called: Hereditary breast cancer; hereditary breast carcinoma; BREAST CANCER, FAMILIAL. Identifiers: Orphanet 227535, MedGen C0346153, MONDO:0016419, OMIM 114480. Disease mechanism: loss of function.

Submissions (8):

Labcorp Genetics (formerly Invitae), Labcorp
Classification: Uncertain significance for Familial cancer of breast. Last evaluated: 2025-06-01. Review status: criteria provided, single submitter. Criteria: Invitae Variant Classification Sherloc (09022015). Collection method: clinical testing. Allele origin: germline.
Comment: This sequence change replaces proline, which is neutral and non-polar, with arginine, which is basic and polar, at codon 661 of the PALB2 protein (p.Pro661Arg). This variant is not present in population databases (gnomAD no frequency). This missense change has been observed in individual(s) with breast cancer (PMID: 35264596, 35534704). ClinVar contains an entry for this variant (Variation ID: 232550). Invitae Evidence Modeling of protein sequence and biophysical properties (such as structural, functional, and spatial information, amino acid conservation, physicochemical variation, residue mobility, and thermodynamic stability) has been performed for this missense variant. However, the output from this modeling did not meet the statistical confidence thresholds required to predict the impact of this variant on PALB2 protein function. In summary, the available evidence is currently insufficient to determine the role of this variant in disease. Therefore, it has been classified as a Variant of Uncertain Significance.

Ambry Genetics
Classification: Uncertain significance for Hereditary cancer-predisposing syndrome. Last evaluated: 2025-04-23. Review status: criteria provided, single submitter. Criteria: Ambry Variant Classification Scheme 2023. Collection method: clinical testing. Allele origin: germline.
Comment: The p.P661R variant (also known as c.1982C>G), located in coding exon 5 of the PALB2 gene, results from a C to G substitution at nucleotide position 1982. The proline at codon 661 is replaced by arginine, an amino acid with dissimilar properties. This amino acid position is well conserved in available vertebrate species. In addition, this alteration is predicted to be tolerated by in silico analysis. Since supporting evidence is limited at this time, the clinical significance of this alteration remains unclear.

GeneDx
Classification: Uncertain significance. Last evaluated: 2024-10-06. Review status: criteria provided, single submitter. Criteria: GeneDx Variant Classification Process June 2021. Collection method: clinical testing. Allele origin: germline. Affected: yes.
Comment: Not observed at significant frequency in large population cohorts (gnomAD); In silico analysis supports that this missense variant has a deleterious effect on protein structure/function; This variant is associated with the following publications: (PMID: 35264596, 22941656, 35534704)

Color Diagnostics, LLC DBA Color Health
Classification: Uncertain significance for Hereditary cancer-predisposing syndrome. Last evaluated: 2024-03-06. Review status: criteria provided, single submitter. Criteria: ACMG Guidelines, 2015. Collection method: clinical testing. Allele origin: germline.
Comment: This missense variant replaces proline with arginine at codon 661 of the PALB2 protein. Computational prediction tool suggests that this variant may not impact protein structure and function (internally defined REVEL score threshold <=0.5, PMID: 27666373). Splice site prediction tools suggest that this variant may not impact RNA splicing. To our knowledge, functional studies have not been performed for this variant. This variant has not been reported in individuals affected with hereditary cancer in the literature. This variant has not been identified in the general population by the Genome Aggregation Database (gnomAD). The available evidence is insufficient to determine the role of this variant in disease conclusively. Therefore, this variant is classified as a Variant of Uncertain Significance.

Fulgent Genetics
Classification: Uncertain significance for Familial cancer of breast; Fanconi anemia complementation group N; Pancreatic cancer, susceptibility to, 3. Last evaluated: 2022-05-11. Review status: criteria provided, single submitter. Criteria: ACMG Guidelines, 2015. Collection method: clinical testing. Allele origin: unknown.

Women's Health and Genetics/Laboratory Corporation of America, LabCorp
Classification: Uncertain significance. Last evaluated: 2021-08-06. Review status: criteria provided, single submitter. Criteria: LabCorp Variant Classification Summary - May 2015. Collection method: clinical testing. Allele origin: germline.
Comment: Variant summary: PALB2 c.1982C>G (p.Pro661Arg) results in a non-conservative amino acid change in the encoded protein sequence. Three of five in-silico tools predict a damaging effect of the variant on protein function. The variant was absent in 251402 control chromosomes (gnomAD). The available data on variant occurrences in the general population are insufficient to allow any conclusion about variant significance. To our knowledge, no occurrence of c.1982C>G in individuals affected with Breast Cancer and no experimental evidence demonstrating its impact on protein function have been reported. Four ClinVar submitters (evaluation after 2014) cite the variant as uncertain significance. Based on the evidence outlined above, the variant was classified as uncertain significance.

Department of Pathology and Laboratory Medicine, Sinai Health System
Classification: Uncertain significance for Familial pancreatic carcinoma. Last evaluated: 2020-09-22. Review status: criteria provided, single submitter. Criteria: ACMG Guidelines, 2015. Collection method: clinical testing. Allele origin: germline. Affected: yes.

Mendelics
Classification: Uncertain significance for Hereditary cancer-predisposing syndrome. Last evaluated: 2018-07-02. Review status: criteria provided, single submitter. Criteria: Mendelics Assertion Criteria 2017. Collection method: clinical testing. Allele origin: unknown.

Literature cited by the submitters: PubMed 35264596 (cited by Labcorp Genetics (formerly Invitae), Labcorp); PubMed 35534704 (cited by Labcorp Genetics (formerly Invitae), Labcorp).